The following is an entry in ClinVar:

NM_001282225.2(ADA2):c.981T>C (p.His327=)

Gene: ADA2 (adenosine deaminase 2; minus strand). Cytogenetic location: 22q11.1.
Variant type: single nucleotide variant.
Coding change: c.981T>C on transcript NM_001282225.2 (MANE Select); coding-DNA position 981, T replaced by C.
Protein change: p.His327=; no amino-acid change (histidine 327 retained).
Molecular consequence: synonymous variant.
Genome position (GRCh38, 1-based): chr22:17,188,439, A>G on the plus strand (T>C on the coding strand, the complement: ADA2 is on the minus strand). VCF-style: chr22-17188439-A-G. GRCh37 (hg19) VCF-style: chr22-17669329-A-G.
Other names: c.981T>C, p.His327= (NM_001282226.2); c.855T>C, p.His285= (NM_001282227.2, NM_001282228.2); c.621T>C, p.His207= (NM_001282229.2); c.258T>C, p.His86= (NM_177405.3).
Identifiers: ClinVar variation 4823667 (VCV004823667.4).
Genomic context (GRCh38, chr22:17,188,439, plus strand): 5'-ATCCTTGGCGGGGATCATCAGAGCTTCCTTGTAGTCATGCAAGGAGTGGCCAGTGTCCTC[A>G]TGCCCCACCTGCAGGACAGAGAGGGACAGGGAGGTGTCTGCAGGGCGCATGCCTCACTTG-3'
Protein context (NP_001269154.1, residues 317-337): TVVAGFDLVG[His327=]EDTGHSLHDY

ClinVar aggregate classification (germline): Likely benign (1 of 4 stars; one submission).

gnomAD v4.1: 16 of 1,611,346 alleles (0.00099%); highest among the groups gnomAD compares: East Asian, 0.033%; no homozygotes.

Submission:

CeGaT Center for Human Genetics Tuebingen
Classification: Likely benign. Last evaluated: 2026-03-01. Review status: criteria provided, single submitter. Criteria: CeGaT Center For Human Genetics Tuebingen Variant Classification Criteria Version 2. Collection method: clinical testing. Allele origin: germline. Affected: yes. Observed: 1 variant allele.
Comment: ADA2: BP4, BP7